The following is an entry in ClinVar:

ClinVar aggregate classification (germline): Uncertain significance (1 of 4 stars; one submission).

Conditions:
Dalmatian hypouricemia (RHUC1). Identifiers: MedGen C0473219, MONDO:0020728, OMIM 220150.

gnomAD v4.1: 5 of 1,601,328 alleles (0.00031%); highest among the groups gnomAD compares: East Asian, 0.0067%; no homozygotes.

Submission:

Illumina Laboratory Services, Illumina
Classification: Uncertain significance for Dalmatian hypouricemia. Last evaluated: 2017-04-28. Review status: criteria provided, single submitter. Criteria: ICSL Variant Classification Criteria 13 December 2019. Collection method: clinical testing. Allele origin: germline.
Comment: This variant was observed as part of a predisposition screen in an ostensibly healthy population. A literature search was performed for the gene, cDNA change, and amino acid change (where applicable). Publications were found based on this search. However, the evidence from the literature, in combination with allele frequency data from public databases where available, was not sufficient to rule this variant in or out of causing disease. Therefore, this variant is classified as a variant of unknown significance.

Literature cited by the submitters: PubMed 17103332; PubMed 14694169.

NM_144585.4(SLC22A12):c.1289T>C (p.Met430Thr)

Gene: SLC22A12 (solute carrier family 22 member 12; plus strand). Cytogenetic location: 11q13.1.
Variant type: single nucleotide variant.
Coding change: c.1289T>C on transcript NM_144585.4 (MANE Select); coding-DNA position 1289, T replaced by C.
Protein change: p.Met430Thr; replaces methionine 430 with threonine.
Molecular consequence: missense variant.
Genome position (GRCh38, 1-based): chr11:64,600,370, T>C. VCF-style: chr11-64600370-T-C. GRCh37 (hg19) VCF-style: chr11-64367842-T-C.
Other names: c.1187T>C, p.Met396Thr (NM_001276326.2); c.965T>C, p.Met322Thr (NM_001276327.2); c.626T>C, p.Met209Thr (NM_153378.3); short protein forms M430T, M209T, M322T, M396T.
Identifiers: ClinVar variation 878305 (VCV000878305.4), dbSNP rs2039413303, ClinGen allele CA381131236.